The following is an entry in ClinVar:

NM_014370.4(SRPK3):c.744C>A (p.Ser248=)

Gene: SRPK3 (SRSF protein kinase 3; plus strand). Cytogenetic location: Xq28.
Variant type: single nucleotide variant.
Coding change: c.744C>A on transcript NM_014370.4 (MANE Select); coding-DNA position 744, C replaced by A.
Protein change: p.Ser248=; no amino-acid change (serine 248 retained).
Molecular consequence: synonymous variant.
Genome position (GRCh38, 1-based): chrX:153,783,114, C>A. VCF-style: chrX-153783114-C-A. GRCh37 (hg19) VCF-style: chrX-153048569-C-A.
Other names: c.744C>A, p.Ser248= (NM_001170760.2, NM_001170761.2).
Identifiers: ClinVar variation 3778208 (VCV003778208.7).
Genomic context (GRCh38, chrX:153,783,114, plus strand): 5'-GCGCCTGGCTGCCGAGGCCACGGAGTGGCAACAGGCAGGGGCGCCGCCCCCCTCCCGCTC[C>A]ATAGGTACCAAGGGCCCACATGGGGCTGGGTCGGGGCCTCTGGGCCTGAACCCCTGCCTG-3'
Protein context (NP_055185.2, residues 238-258): QQAGAPPPSR[Ser248=]IVSTAPQEVL

ClinVar aggregate classification (germline): Likely benign (1 of 4 stars; one submission).

gnomAD v4.1: 201 of 1,168,805 alleles (0.017%); highest among the groups gnomAD compares: Non-Finnish European, 0.022%; no homozygotes.

Submission:

CeGaT Center for Human Genetics Tuebingen
Classification: Likely benign. Last evaluated: 2025-03-01. Review status: criteria provided, single submitter. Criteria: CeGaT Center For Human Genetics Tuebingen Variant Classification Criteria Version 2. Collection method: clinical testing. Allele origin: germline. Affected: yes. Observed: 1 variant allele.
Comment: SRPK3: BP4, BP7, BS2